The following is an entry in ClinVar:

NM_024642.5(GALNT12):c.820C>T (p.Pro274Ser)

Gene: GALNT12 (polypeptide N-acetylgalactosaminyltransferase 12; plus strand). Cytogenetic location: 9q22.33.
Variant type: single nucleotide variant.
Coding change: c.820C>T on transcript NM_024642.5 (MANE Select); coding-DNA position 820, C replaced by T.
Protein change: p.Pro274Ser; replaces proline 274 with serine.
Molecular consequence: missense variant.
Genome position (GRCh38, 1-based): chr9:98,831,860, C>T. VCF-style: chr9-98831860-C-T. GRCh37 (hg19) VCF-style: chr9-101594142-C-T.
Other names: short protein forms P274S.
Identifiers: ClinVar variation 827510 (VCV000827510.17), dbSNP rs540061502, ClinGen allele CA5154062.
Genomic context (GRCh38, chr9:98,831,860, plus strand): 5'-TGCCCGGTGATTGATGTGATCGACTGGAACACCTTCGAATACCTGGGGAACTCCGGGGAG[C>T]CCCAGATCGGCGGTTTCGACTGGAGGCTGGTGTTCACGTGGCACACAGTTCCTGAGAGGG-3'
Protein context (NP_078918.3, residues 264-284): TFEYLGNSGE[Pro274Ser]QIGGFDWRLV

ClinVar aggregate classification (germline): Uncertain significance. Review status: criteria provided, multiple submitters, no conflicts (2 of 4 stars). 4 submissions from 4 submitters: Uncertain significance (4). Last evaluated 2025-05-07.

Conditions:
Colorectal cancer, susceptibility to, 1. Also called: COLORECTAL ADENOMA AND CANCER, SUSCEPTIBILITY TO; COLORECTAL CANCER, SUSCEPTIBILITY TO, ON CHROMOSOME 9. Identifiers: MedGen C1837315, MONDO:0012132, OMIM 608812.

Allele frequency attached by ClinVar (database versions not stated): gnomAD 0.00001; gnomAD exomes 0.00001; TOPMed 0.00001; ExAC 0.00002; 1000 Genomes Project 30x 0.00016; 1000 Genomes Project 0.00020.
gnomAD v4.1: 10 of 1,614,172 alleles (0.00062%); highest among the groups gnomAD compares: Admixed American, 0.005%; no homozygotes.

Submissions (4):

Ambry Genetics
Classification: Uncertain significance. Last evaluated: 2025-05-07. Review status: criteria provided, single submitter. Criteria: Ambry Variant Classification Scheme 2023. Collection method: clinical testing. Allele origin: germline.
Comment: The p.P274S variant (also known as c.820C>T), located in coding exon 4 of the GALNT12 gene, results from a C to T substitution at nucleotide position 820. The proline at codon 274 is replaced by serine, an amino acid with similar properties. This amino acid position is highly conserved in available vertebrate species. In addition, the in silico prediction for this alteration is inconclusive. Since supporting evidence is limited at this time, the clinical significance of this alteration remains unclear.

Labcorp Genetics (formerly Invitae), Labcorp
Classification: Uncertain significance. Last evaluated: 2025-04-14. Review status: criteria provided, single submitter. Criteria: Invitae Variant Classification Sherloc (09022015). Collection method: clinical testing. Allele origin: germline.
Comment: This sequence change replaces proline, which is neutral and non-polar, with serine, which is neutral and polar, at codon 274 of the GALNT12 protein (p.Pro274Ser). This variant is present in population databases (rs540061502, gnomAD 0.006%). This variant has not been reported in the literature in individuals affected with GALNT12-related conditions. ClinVar contains an entry for this variant (Variation ID: 827510). Invitae Evidence Modeling of protein sequence and biophysical properties (such as structural, functional, and spatial information, amino acid conservation, physicochemical variation, residue mobility, and thermodynamic stability) indicates that this missense variant is not expected to disrupt GALNT12 protein function with a negative predictive value of 80%. In summary, the available evidence is currently insufficient to determine the role of this variant in disease. Therefore, it has been classified as a Variant of Uncertain Significance.

Baylor Genetics
Classification: Uncertain significance for Colorectal cancer, susceptibility to, 1. Last evaluated: 2024-01-02. Review status: criteria provided, single submitter. Criteria: ACMG Guidelines, 2015. Collection method: clinical testing. Allele origin: unknown.

Quest Diagnostics Nichols Institute San Juan Capistrano
Classification: Uncertain significance. Last evaluated: 2022-11-28. Review status: criteria provided, single submitter. Criteria: Quest Diagnostics criteria. Collection method: clinical testing. Allele origin: unknown.
Comment: The variant has not been reported in the published literature. The frequency of this variant in the general population, 0.000012 (3/251442 chromosomes), is uninformative in assessment of its pathogenicity. Analysis of this variant using bioinformatics tools for the prediction of the effect of amino acid changes on protein structure and function yielded predictions that this variant is damaging. Based on the available information, we are unable to determine the clinical significance of this variant.